The following is an entry in ClinVar:

NM_001379180.1(ESRRB):c.*1598C>A

Gene: ESRRB (estrogen related receptor beta; plus strand). Cytogenetic location: 14q24.3.
Variant type: single nucleotide variant.
Coding change: c.*1598C>A on transcript NM_001379180.1 (MANE Select); 1598 bases downstream of the stop codon, C replaced by A.
Molecular consequence: 3 prime UTR variant. On other transcripts: missense variant (1).
Genome position (GRCh38, 1-based): chr14:76,500,056, C>A. VCF-style: chr14-76500056-C-A. GRCh37 (hg19) VCF-style: chr14-76966399-C-A.
Other names: c.1490C>A, p.Pro497Gln (NM_004452.4); short protein forms P497Q.
Identifiers: ClinVar variation 1305465 (VCV001305465.2), dbSNP rs574615634, ClinGen allele CA263756470.

ClinVar aggregate classification (germline): Uncertain significance (1 of 4 stars; one submission).

Allele frequency attached by ClinVar (database versions not stated): gnomAD 0.00001; gnomAD exomes 0.00001; TOPMed 0.00001; 1000 Genomes Project 30x 0.00016; 1000 Genomes Project 0.00020.
gnomAD v4.1: 10 of 1,551,176 alleles (0.00064%); highest among the groups gnomAD compares: African/African-American, 0.011%; no homozygotes.

Submission:

GeneDx
Classification: Uncertain significance. Last evaluated: 2019-04-29. Review status: criteria provided, single submitter. Criteria: GeneDx Variant Classification Process June 2021. Collection method: clinical testing. Allele origin: germline. Affected: yes.
Comment: In silico analysis, which includes protein predictors and evolutionary conservation, supports that this variant does not alter protein structure/function; Has not been previously published as pathogenic or benign to our knowledge